The following is an entry in ClinVar:

ClinVar aggregate classification (germline): Uncertain significance (1 of 4 stars; one submission).

Submission:

CeGaT Center for Human Genetics Tuebingen
Classification: Uncertain significance. Last evaluated: 2025-04-01. Review status: criteria provided, single submitter. Criteria: CeGaT Center For Human Genetics Tuebingen Variant Classification Criteria Version 2. Collection method: clinical testing. Allele origin: germline. Affected: yes. Observed: 1 variant allele.
Comment: NUS1: PM2, PP2

NM_138459.5(NUS1):c.370T>C (p.Cys124Arg)

Gene: NUS1 (NUS1 dehydrodolichyl diphosphate synthase subunit; plus strand). Cytogenetic location: 6q22.1.
Variant type: single nucleotide variant.
Coding change: c.370T>C on transcript NM_138459.5 (MANE Select); coding-DNA position 370, T replaced by C.
Protein change: p.Cys124Arg; replaces cysteine 124 with arginine.
Molecular consequence: missense variant.
Genome position (GRCh38, 1-based): chr6:117,676,040, T>C. VCF-style: chr6-117676040-T-C. GRCh37 (hg19) VCF-style: chr6-117997203-T-C.
Other names: short protein forms C124R.
Identifiers: ClinVar variation 3342093 (VCV003342093.16).